The following is an entry in ClinVar:

ClinVar aggregate classification (germline): Pathogenic. Review status: criteria provided, multiple submitters, no conflicts (2 of 4 stars). 4 submissions from 4 submitters: Pathogenic (4). Last evaluated 2025-08-11.

Conditions:
Keratoderma-ichthyosis-deafness syndrome, autosomal recessive (KDIDAR). Identifiers: MedGen C5774200, MONDO:0859278, OMIM 620009.

Allele frequency attached by ClinVar (database versions not stated): gnomAD exomes below 0.00001 and 0.00001; ExAC 0.00001; TOPMed 0.00001.
gnomAD v4.1: 6 of 1,614,134 alleles (0.00037%); highest among the groups gnomAD compares: Admixed American, 0.0017%; no homozygotes.

Submissions (4):

Labcorp Genetics (formerly Invitae), Labcorp
Classification: Pathogenic. Last evaluated: 2025-08-11. Review status: criteria provided, single submitter. Criteria: Invitae Variant Classification Sherloc (09022015). Collection method: clinical testing. Allele origin: germline.
Comment: This sequence change creates a premature translational stop signal (p.Arg416*) in the VPS33B gene. It is expected to result in an absent or disrupted protein product. Loss-of-function variants in VPS33B are known to be pathogenic (PMID: 15052268, 16896922). This variant is present in population databases (rs780626848, gnomAD 0.003%). This premature translational stop signal has been observed in individual(s) with VPS33B-related conditions (PMID: 31343487). ClinVar contains an entry for this variant (Variation ID: 500825). For these reasons, this variant has been classified as Pathogenic.

Mayo Clinic Laboratories, Mayo Clinic
Classification: Pathogenic. Last evaluated: 2023-09-01. Review status: criteria provided, single submitter. Criteria: ACMG Guidelines, 2015. Collection method: clinical testing. Allele origin: germline. Observed: 1 variant allele.
Comment: PM2, PM3, PS4_moderate, PVS1

Institute of Human Genetics, University of Leipzig Medical Center
Classification: Pathogenic for Keratoderma-ichthyosis-deafness syndrome, autosomal recessive. Last evaluated: 2023-04-26. Review status: criteria provided, single submitter. Criteria: ACMG Guidelines, 2015. Collection method: clinical testing. Allele origin: maternal. Affected: yes.
Comment: This variant was identified as compound heterozygous with NM_018668.5:c.390_392delinsAGA._x000D_ Criteria applied: PVS1, PM3, PM2_SUP, PP4

Eurofins Ntd Llc (ga)
Classification: Pathogenic. Last evaluated: 2017-03-14. Review status: criteria provided, single submitter. Criteria: EGL Classification Definitions 2015. Collection method: clinical testing. Allele origin: germline. Observed: 2 variant alleles, 2 heterozygotes.

Literature cited by the submitters: PubMed 15052268 (cited by Labcorp Genetics (formerly Invitae), Labcorp); PubMed 16896922 (cited by Labcorp Genetics (formerly Invitae), Labcorp); PubMed 31343487 (cited by Labcorp Genetics (formerly Invitae), Labcorp and Mayo Clinic Laboratories, Mayo Clinic).

NM_018668.5(VPS33B):c.1246C>T (p.Arg416Ter)

Gene: VPS33B (VPS33B late endosome and lysosome associated; minus strand). Cytogenetic location: 15q26.1.
Variant type: single nucleotide variant.
Coding change: c.1246C>T on transcript NM_018668.5 (MANE Select); coding-DNA position 1246, C replaced by T.
Protein change: p.Arg416Ter; replaces arginine 416 with a stop codon.
Molecular consequence: nonsense.
Genome position (GRCh38, 1-based): chr15:91,003,111, G>A on the plus strand (C>T on the coding strand, the complement: VPS33B is on the minus strand). VCF-style: chr15-91003111-G-A. GRCh37 (hg19) VCF-style: chr15-91546341-G-A.
Other names: p.Arg416*; c.1246C>T (NM_018668.4); c.1165C>T, p.Arg389Ter (NM_001289148.1); c.973C>T, p.Arg325Ter (NM_001289149.1); short protein forms R416*, R325*, R389*.
Identifiers: ClinVar variation 500825 (VCV000500825.8), dbSNP rs780626848, ClinGen allele CA7744712.